The following is an entry in ClinVar:

ClinVar aggregate classification (germline): Likely benign (0 of 4 stars; one submission).

Conditions:
CACNA1I-related disorder. Also called: CACNA1I-related condition.

Allele frequency attached by ClinVar (database versions not stated): gnomAD exomes 0.00019; ExAC 0.00054; gnomAD 0.00178; ESP Exome Variant Server 0.00198; 1000 Genomes Project 0.00200; TOPMed 0.00201; 1000 Genomes Project 30x 0.00281.
gnomAD v4.1: 562 of 1,613,766 alleles (0.035%); highest among the groups gnomAD compares: African/African-American, 0.57%; 1 homozygote.

Submission:

PreventionGenetics, part of Exact Sciences
Classification: Likely benign for CACNA1I-related condition. Last evaluated: 2019-05-23. Review status: no assertion criteria provided. Collection method: clinical testing. Allele origin: germline.
Comment: This variant is classified as likely benign based on ACMG/AMP sequence variant interpretation guidelines (Richards et al. 2015 PMID: 25741868, with internal and published modifications).

NM_021096.4(CACNA1I):c.696G>A (p.Ala232=)

Gene: CACNA1I (calcium voltage-gated channel subunit alpha1 I; plus strand). Cytogenetic location: 22q13.1.
Variant type: single nucleotide variant.
Coding change: c.696G>A on transcript NM_021096.4 (MANE Select); coding-DNA position 696, G replaced by A.
Protein change: p.Ala232=; no amino-acid change (alanine 232 retained).
Molecular consequence: synonymous variant.
Genome position (GRCh38, 1-based): chr22:39,634,680, G>A. VCF-style: chr22-39634680-G-A. GRCh37 (hg19) VCF-style: chr22-40030685-G-A.
Other names: c.696G>A, p.Ala232= (NM_001003406.2).
Identifiers: ClinVar variation 3039285 (VCV003039285.2), dbSNP rs60675234, ClinGen allele CA10243668.
Genomic context (GRCh38, chr22:39,634,680, plus strand): 5'-CCTGCTGCTCTGCTTCTTTGTCTTCTTCATCTTTGGCATCATAGGTGTGCAGCTCTGGGC[G>A]GGCCTGCTGCGTAACCGCTGCTTCCTGGAGGAGAACTTCACCATGTGAGTTCATCCCCTG-3'
Protein context (NP_066919.2, residues 222-242): IFGIIGVQLW[Ala232=]GLLRNRCFLE